The following is an entry in ClinVar:

NM_032638.5(GATA2):c.244G>A (p.Gly82Ser)

Gene: GATA2 (GATA binding protein 2; minus strand). Cytogenetic location: 3q21.3.
Variant type: single nucleotide variant.
Coding change: c.244G>A on transcript NM_032638.5 (MANE Select); coding-DNA position 244, G replaced by A.
Protein change: p.Gly82Ser; replaces glycine 82 with serine.
Molecular consequence: missense variant.
Genome position (GRCh38, 1-based): chr3:128,486,354, C>T on the plus strand (G>A on the coding strand, the complement: GATA2 is on the minus strand). VCF-style: chr3-128486354-C-T. GRCh37 (hg19) VCF-style: chr3-128205197-C-T.
Other names: c.244G>A, p.Gly82Ser (NM_001145661.2, NM_001145662.1); short protein forms G82S.
Identifiers: ClinVar variation 3761446 (VCV003761446.2).

ClinVar aggregate classification (germline): Uncertain significance (1 of 4 stars; one submission).

Conditions:
Deafness-lymphedema-leukemia syndrome. Also called: Lymphedema, primary, with myelodysplasia; Emberger syndrome. Identifiers: Orphanet 3226, MedGen C3279664, MONDO:0013540, OMIM 614038.
Monocytopenia with susceptibility to infections. Also called: MONOCYTOPENIA AND MYCOBACTERIAL INFECTION SYNDROME; MONOCYTOPENIA WITH SUSCEPTIBILITY TO MYCOBACTERIAL, FUNGAL, AND PAPILLOMAVIRUS INFECTIONS AND MYELODYSPLASIA; COMBINED IMMUNODEFICIENCY WITH SUSCEPTIBILITY TO MYCOBACTERIAL, VIRAL, AND FUNGAL INFECTIONS; Dendritic cell, monocyte, B lymphocyte, and natural killer lymphocyte deficiency; IMMUNODEFICIENCY 21; GATA2 DEFICIENCY. Identifiers: Orphanet 228423, MedGen C3280030, MONDO:0013607, OMIM 614172.

Submission:

Labcorp Genetics (formerly Invitae), Labcorp
Classification: Uncertain significance for Monocytopenia with susceptibility to infections; Deafness-lymphedema-leukemia syndrome. Last evaluated: 2024-06-21. Review status: criteria provided, single submitter. Criteria: Invitae Variant Classification Sherloc (09022015). Collection method: clinical testing. Allele origin: germline.
Comment: This sequence change replaces glycine, which is neutral and non-polar, with serine, which is neutral and polar, at codon 82 of the GATA2 protein (p.Gly82Ser). This variant is not present in population databases (gnomAD no frequency). This variant has not been reported in the literature in individuals affected with GATA2-related conditions. Advanced modeling of protein sequence and biophysical properties (such as structural, functional, and spatial information, amino acid conservation, physicochemical variation, residue mobility, and thermodynamic stability) performed at Invitae indicates that this missense variant is not expected to disrupt GATA2 protein function with a negative predictive value of 95%. In summary, the available evidence is currently insufficient to determine the role of this variant in disease. Therefore, it has been classified as a Variant of Uncertain Significance.